The following is an entry in ClinVar:

NM_177433.3(MAGED2):c.752G>A (p.Arg251His)

Gene: MAGED2 (MAGE family member D2; plus strand). Cytogenetic location: Xp11.21.
Variant type: single nucleotide variant.
Coding change: c.752G>A on transcript NM_177433.3 (MANE Select); coding-DNA position 752, G replaced by A.
Protein change: p.Arg251His; replaces arginine 251 with histidine.
Molecular consequence: missense variant.
Genome position (GRCh38, 1-based): chrX:54,811,035, G>A. VCF-style: chrX-54811035-G-A. GRCh37 (hg19) VCF-style: chrX-54837468-G-A.
Other names: c.752G>A, p.Arg251His (NM_014599.6, NM_201222.3); short protein forms R251H.
Identifiers: ClinVar variation 3716551 (VCV003716551.2).
Genomic context (GRCh38, chrX:54,811,035, plus strand): 5'-GGACTCGGTTGGCTGCTTGGGCCCGGAGAGCCTTGCTCTCCCTGAGATCACCTAAAGCCC[G>A]TAGGGGCAAGGCTCGCCGTAGAGCTGCCAAGCTCCAGTCATCCCAAGAGCCTGAAGCACC-3'
Protein context (NP_803182.1, residues 241-261): ALLSLRSPKA[Arg251His]RGKARRRAAK

ClinVar aggregate classification (germline): Uncertain significance (1 of 4 stars; one submission).

gnomAD v4.1: 8 of 1,199,953 alleles (0.00067%); highest among the groups gnomAD compares: Admixed American, 0.009%; no homozygotes.

Submission:

Labcorp Genetics (formerly Invitae), Labcorp
Classification: Uncertain significance. Last evaluated: 2025-01-21. Review status: criteria provided, single submitter. Criteria: Invitae Variant Classification Sherloc (09022015). Collection method: clinical testing. Allele origin: germline.
Comment: This sequence change replaces arginine, which is basic and polar, with histidine, which is basic and polar, at codon 251 of the MAGED2 protein (p.Arg251His). The frequency data for this variant in the population databases is considered unreliable, as metrics indicate poor data quality at this position in the gnomAD database. This variant has not been reported in the literature in individuals affected with MAGED2-related conditions. An algorithm developed to predict the effect of missense changes on protein structure and function (PolyPhen-2) suggests that this variant is likely to be disruptive. In summary, the available evidence is currently insufficient to determine the role of this variant in disease. Therefore, it has been classified as a Variant of Uncertain Significance.